The following is an entry in ClinVar:

ClinVar aggregate classification (germline): Likely benign (1 of 4 stars; one submission).

Allele frequency attached by ClinVar (database versions not stated): ExAC 0.00001; gnomAD exomes 0.00001; TOPMed 0.00002; gnomAD 0.00004.
gnomAD v4.1: 16 of 1,614,180 alleles (0.00099%); highest among the groups gnomAD compares: African/African-American, 0.0093%; no homozygotes.

Submission:

CeGaT Center for Human Genetics Tuebingen
Classification: Likely benign. Last evaluated: 2023-03-01. Review status: criteria provided, single submitter. Criteria: CeGaT Center For Human Genetics Tuebingen Variant Classification Criteria Version 2. Collection method: clinical testing. Allele origin: germline. Affected: yes. Observed: 1 variant allele.
Comment: HIVEP1: BP4, BP7

NM_002114.4(HIVEP1):c.6741C>T (p.Asp2247=)

Gene: HIVEP1 (HIVEP zinc finger 1; plus strand). Cytogenetic location: 6p24.1.
Variant type: single nucleotide variant.
Coding change: c.6741C>T on transcript NM_002114.4 (MANE Select); coding-DNA position 6741, C replaced by T.
Protein change: p.Asp2247=; no amino-acid change (aspartic acid 2247 retained).
Molecular consequence: synonymous variant.
Genome position (GRCh38, 1-based): chr6:12,161,692, C>T. VCF-style: chr6-12161692-C-T. GRCh37 (hg19) VCF-style: chr6-12161925-C-T.
Identifiers: ClinVar variation 2656230 (VCV002656230.24), dbSNP rs556971665, ClinGen allele CA3638245.
Genomic context (GRCh38, chr6:12,161,692, plus strand): 5'-TACTGACGAGGATGTCAGGATCACCGATTGCTTTTCTGGGGTACACACGGACCCAATGGA[C>T]GTTCTGCCCAGGGCGCTGCTCACCAGAATGACTGTCCTGAGCACAGCACAGTCTGACTAC-3'
Protein context (NP_002105.3, residues 2237-2257): CFSGVHTDPM[Asp2247=]VLPRALLTRM